The following is an entry in ClinVar:

ClinVar aggregate classification (germline): Uncertain significance. Review status: criteria provided, multiple submitters, no conflicts (2 of 4 stars). 3 submissions from 3 submitters: Uncertain significance (3). Last evaluated 2026-04-29.

Conditions:
Bardet-Biedl syndrome (BBS). Identifiers: Orphanet 110, MedGen C0752166, MONDO:0015229.
BBS9-related disorder. Also called: BBS9-related condition.

Allele frequency attached by ClinVar (database versions not stated): TOPMed below 0.00001; gnomAD 0.00001; ExAC 0.00002.
gnomAD v4.1: 5 of 1,546,558 alleles (0.00032%); highest among the groups gnomAD compares: Admixed American, 0.0089%; no homozygotes.

Submissions (3):

PreventionGenetics, part of Exact Sciences
Classification: Uncertain significance for BBS9-related condition. Last evaluated: 2026-04-29. Review status: criteria provided, single submitter. Criteria: ACMG Guidelines, 2015. Collection method: clinical testing. Allele origin: germline.
Comment: The BBS9 c.628C>A variant is predicted to result in the amino acid substitution p.Leu210Ile. To our knowledge, this variant has not been reported in the literature. This variant is reported in 0.0097% of alleles in individuals of Latino descent in gnomAD. At this time, the clinical significance of this variant is uncertain due to the absence of conclusive functional and genetic evidence.

Women's Health and Genetics/Laboratory Corporation of America, LabCorp
Classification: Uncertain significance. Last evaluated: 2024-10-02. Review status: criteria provided, single submitter. Criteria: LabCorp Variant Classification Summary - May 2015. Collection method: clinical testing. Allele origin: germline.
Comment: Variant summary: BBS9 c.628C>A (p.Leu210Ile) results in a conservative amino acid change located in the PTHB1, N-terminal domain (IPR028073) of the encoded protein sequence. Four of five in-silico tools predict a damaging effect of the variant on protein function. The variant allele was found at a frequency of 1.3e-05 in 232918 control chromosomes. The available data on variant occurrences in the general population are insufficient to allow any conclusion about variant significance. To our knowledge, no occurrence of c.628C>A in individuals affected with Bardet-Biedl Syndrome and no experimental evidence demonstrating its impact on protein function have been reported. ClinVar contains an entry for this variant (Variation ID: 2147962). Based on the evidence outlined above, the variant was classified as uncertain significance.

Labcorp Genetics (formerly Invitae), Labcorp
Classification: Uncertain significance for Bardet-Biedl syndrome. Last evaluated: 2022-05-25. Review status: criteria provided, single submitter. Criteria: Invitae Variant Classification Sherloc (09022015). Collection method: clinical testing. Allele origin: germline.
Comment: This sequence change replaces leucine, which is neutral and non-polar, with isoleucine, which is neutral and non-polar, at codon 210 of the BBS9 protein (p.Leu210Ile). This variant is present in population databases (rs774509877, gnomAD 0.01%). This variant has not been reported in the literature in individuals affected with BBS9-related conditions. Algorithms developed to predict the effect of missense changes on protein structure and function are either unavailable or do not agree on the potential impact of this missense change (SIFT: "Deleterious"; PolyPhen-2: "Probably Damaging"; Align-GVGD: "Class C0"). In summary, the available evidence is currently insufficient to determine the role of this variant in disease. Therefore, it has been classified as a Variant of Uncertain Significance.

NM_198428.3(BBS9):c.628C>A (p.Leu210Ile)

Gene: BBS9 (Bardet-Biedl syndrome 9; plus strand). Cytogenetic location: 7p14.3.
Variant type: single nucleotide variant.
Coding change: c.628C>A on transcript NM_198428.3 (MANE Select); coding-DNA position 628, C replaced by A.
Protein change: p.Leu210Ile; replaces leucine 210 with isoleucine.
Molecular consequence: missense variant. On other transcripts: non-coding transcript variant (3).
Genome position (GRCh38, 1-based): chr7:33,264,300, C>A. VCF-style: chr7-33264300-C-A. GRCh37 (hg19) VCF-style: chr7-33303912-C-A.
Other names: c.628C>A, p.Leu210Ile (NM_001348040.3, NM_001348041.4, NM_001348043.3 and 7 more transcripts); c.493C>A, p.Leu165Ile (NM_001348042.3); c.262C>A, p.Leu88Ile (NM_001348044.3, NM_001348045.3, NM_001348046.3 and 1 more transcripts); c.355C>A, p.Leu119Ile (NM_001348038.3, NM_001348039.3); c.628C>A (NM_198428.2); short protein forms L119I, L210I, L88I, L165I.
Identifiers: ClinVar variation 2147962 (VCV002147962.3), dbSNP rs774509877, ClinGen allele CA4214065.